The following is an entry in ClinVar:

NM_001134831.2(AHI1):c.2036+6T>G

Gene: AHI1 (Abelson helper integration site 1; minus strand). Cytogenetic location: 6q23.3.
Variant type: single nucleotide variant.
Coding change: c.2036+6T>G on transcript NM_001134831.2 (MANE Select); 6 bases into the intron after coding-DNA position 2036, T replaced by G.
Molecular consequence: intron variant.
Genome position (GRCh38, 1-based): chr6:135,438,369, A>C on the plus strand (T>G on the coding strand, the complement: AHI1 is on the minus strand). VCF-style: chr6-135438369-A-C. GRCh37 (hg19) VCF-style: chr6-135759507-A-C.
Other names: c.2036+6T>G (NM_001134830.2, NM_001350503.2, NM_017651.5 and 2 more transcripts).
Identifiers: ClinVar variation 1699472 (VCV001699472.5), dbSNP rs2128037867, ClinGen allele CA2573130303.

ClinVar aggregate classification (germline): Conflicting classifications of pathogenicity. Review status: criteria provided, conflicting classifications (1 of 4 stars). 2 submissions from 2 submitters: Likely pathogenic (1); Uncertain significance (1). Last evaluated 2025-10-11.

Conditions:
Joubert syndrome 3 (JBTS3). Also called: AHI1-related Ciliopathy. Identifiers: Orphanet 220493, MedGen C1837713, MONDO:0012078, OMIM 608629.
Joubert syndrome. Also called: CEREBELLOPARENCHYMAL DISORDER IV; JOUBERT-BOLTSHAUSER SYNDROME; Familial aplasia of the vermis. Identifiers: Orphanet 475, MedGen C5979921, MONDO:0018772.

Allele frequency attached by ClinVar (database versions not stated): gnomAD exomes 0.00001.
gnomAD v4.1: 12 of 1,581,446 alleles (0.00076%); highest among the groups gnomAD compares: Non-Finnish European, 0.001%; no homozygotes.

Submissions (2):

Labcorp Genetics (formerly Invitae), Labcorp
Classification: Uncertain significance for Joubert syndrome. Last evaluated: 2025-10-11. Review status: criteria provided, single submitter. Criteria: Invitae Variant Classification Sherloc (09022015). Collection method: clinical testing. Allele origin: germline.
Comment: This sequence change falls in intron 14 of the AHI1 gene. It does not directly change the encoded amino acid sequence of the AHI1 protein. It affects a nucleotide within the consensus splice site. This variant is not present in population databases (gnomAD no frequency). This variant has not been reported in the literature in individuals affected with AHI1-related conditions. ClinVar contains an entry for this variant (Variation ID: 1699472). Variants that disrupt the consensus splice site are a relatively common cause of aberrant splicing (PMID: 17576681, 9536098). Algorithms developed to predict the effect of sequence changes on RNA splicing suggest that this variant may disrupt the consensus splice site. In summary, the available evidence is currently insufficient to determine the role of this variant in disease. Therefore, it has been classified as a Variant of Uncertain Significance.

Victorian Clinical Genetics Services, Murdoch Childrens Research Institute
Classification: Likely pathogenic for Joubert syndrome 3. Last evaluated: 2023-12-21. Review status: criteria provided, single submitter. Criteria: ACMG Guidelines, 2015. Collection method: clinical testing. Allele origin: germline. Inheritance: Autosomal recessive inheritance. Affected: yes.
Comment: Based on the classification scheme VCGS_Germline_v1.3.4, this variant is classified as Likely pathogenic. Following criteria are met: 0102 - Loss of function is a known mechanism of disease in this gene and is associated with Joubert syndrome 3 (MIM#608629). (I) 0106 - This gene is associated with autosomal recessive disease. (I) 0212 - Non-canonical splice site variant without proven consequence on splicing (no functional evidence available). (SP) 0251 - This variant is heterozygous. (I) 0301 - Variant is absent from gnomAD (both v2 and v3). (SP) 0505 - Abnormal splicing is predicted by in silico tools and affected nucleotide is highly conserved. (SP) 0705 - No comparable splice region variants have previous evidence for pathogenicity. (I) 0807 - This variant has no previous evidence of pathogenicity. (I) 0905 - No published segregation evidence has been identified for this variant. (I) 1007 - No published functional evidence has been identified for this variant. (I) 1102 - Strong phenotype match for this individual. (SP) 1201 - Heterozygous variant detected in trans with a second pathogenic heterozygous variant (NM_001134831.1:c.1420delA;p.Ile474Leufs*36) in a recessive disease. (I) Legend: (SP) - Supporting pathogenic, (I) - Information, (SB) - Supporting benign

Literature cited by the submitters: PubMed 17576681 (cited by Labcorp Genetics (formerly Invitae), Labcorp); PubMed 9536098 (cited by Labcorp Genetics (formerly Invitae), Labcorp).